The following is an entry in ClinVar:

NM_001134363.3(RBM20):c.1079C>T (p.Thr360Ile)

Gene: RBM20 (RNA binding motif protein 20; plus strand). Cytogenetic location: 10q25.2.
Variant type: single nucleotide variant.
Coding change: c.1079C>T on transcript NM_001134363.3 (MANE Select); coding-DNA position 1079, C replaced by T.
Protein change: p.Thr360Ile; replaces threonine 360 with isoleucine.
Molecular consequence: missense variant.
Genome position (GRCh38, 1-based): chr10:110,781,688, C>T. VCF-style: chr10-110781688-C-T. GRCh37 (hg19) VCF-style: chr10-112541446-C-T.
Other names: short protein forms T360I.
Identifiers: ClinVar variation 852791 (VCV000852791.11), dbSNP rs1477743309, ClinGen allele CA378385549.

ClinVar aggregate classification (germline): Uncertain significance. Review status: criteria provided, multiple submitters, no conflicts (2 of 4 stars). 2 submissions from 2 submitters: Uncertain significance (2). Last evaluated 2022-09-13.

Conditions:
Dilated cardiomyopathy 1DD (CMD1DD). Identifiers: Orphanet 154, MedGen C2750995, MONDO:0013168, OMIM 613172.
Cardiovascular phenotype. Identifiers: MedGen CN230736.

Allele frequency attached by ClinVar (database versions not stated): TOPMed 0.00003.

Submissions (2):

Ambry Genetics
Classification: Uncertain significance for Cardiovascular phenotype. Last evaluated: 2022-09-13. Review status: criteria provided, single submitter. Criteria: Ambry Variant Classification Scheme 2023. Collection method: clinical testing. Allele origin: germline.
Comment: The p.T360I variant (also known as c.1079C>T), located in coding exon 2 of the RBM20 gene, results from a C to T substitution at nucleotide position 1079. The threonine at codon 360 is replaced by isoleucine, an amino acid with similar properties. This amino acid position is conserved. In addition, this alteration is predicted to be tolerated by in silico analysis. Since supporting evidence is limited at this time, the clinical significance of this alteration remains unclear.

Labcorp Genetics (formerly Invitae), Labcorp
Classification: Uncertain significance for Dilated cardiomyopathy 1DD. Last evaluated: 2022-01-14. Review status: criteria provided, single submitter. Criteria: Invitae Variant Classification Sherloc (09022015). Collection method: clinical testing. Allele origin: germline.
Comment: In summary, the available evidence is currently insufficient to determine the role of this variant in disease. Therefore, it has been classified as a Variant of Uncertain Significance. Advanced modeling of protein sequence and biophysical properties (such as structural, functional, and spatial information, amino acid conservation, physicochemical variation, residue mobility, and thermodynamic stability) performed at Invitae indicates that this missense variant is not expected to disrupt RBM20 protein function. ClinVar contains an entry for this variant (Variation ID: 852791). This variant has not been reported in the literature in individuals affected with RBM20-related conditions. This variant is not present in population databases (gnomAD no frequency). This sequence change replaces threonine, which is neutral and polar, with isoleucine, which is neutral and non-polar, at codon 360 of the RBM20 protein (p.Thr360Ile).